The following is an entry in ClinVar:

NM_015978.3(TNNI3K):c.1466T>C (p.Ile489Thr)

Genes: FPGT-TNNI3K (FPGT-TNNI3K readthrough; plus strand), TNNI3K (TNNI3 interacting kinase; plus strand). Cytogenetic location: 1p31.1.
Variant type: single nucleotide variant.
Coding change: c.1466T>C on transcript NM_015978.3 (MANE Select); coding-DNA position 1466, T replaced by C.
Protein change: p.Ile489Thr; replaces isoleucine 489 with threonine.
Molecular consequence: missense variant.
Genome position (GRCh38, 1-based): chr1:74,369,258, T>C. VCF-style: chr1-74369258-T-C. GRCh37 (hg19) VCF-style: chr1-74834942-T-C.
Other names: c.1769T>C, p.Ile590Thr (NM_001112808.3, NM_001199327.2); short protein forms I489T, I590T.
Identifiers: ClinVar variation 2839461 (VCV002839461.3), dbSNP rs2524469807, ClinGen allele CA340786025.
Genomic context (GRCh38, chr1:74,369,258, plus strand): 5'-CAATTGTAGGTTCTTTTGGGAAAGTATATAAAGGACGATGCAGAAATAAAATAGTGGCTA[T>C]AAAACGGTAAGCAAGCAAATGAAAAAATTTAACATCCAGGTGGAATTGTGACCTTTGAGA-3'
Protein context (NP_057062.1, residues 479-499): KGRCRNKIVA[Ile489Thr]KRYRANTYCS

ClinVar aggregate classification (germline): Uncertain significance (1 of 4 stars; one submission).

Submission:

Labcorp Genetics (formerly Invitae), Labcorp
Classification: Uncertain significance. Last evaluated: 2023-02-21. Review status: criteria provided, single submitter. Criteria: Invitae Variant Classification Sherloc (09022015). Collection method: clinical testing. Allele origin: germline.
Comment: In summary, the available evidence is currently insufficient to determine the role of this variant in disease. Therefore, it has been classified as a Variant of Uncertain Significance. Advanced modeling of protein sequence and biophysical properties (such as structural, functional, and spatial information, amino acid conservation, physicochemical variation, residue mobility, and thermodynamic stability) performed at Invitae indicates that this missense variant is not expected to disrupt TNNI3K protein function. This variant has not been reported in the literature in individuals affected with TNNI3K-related conditions. This variant is not present in population databases (gnomAD no frequency). This sequence change replaces isoleucine, which is neutral and non-polar, with threonine, which is neutral and polar, at codon 489 of the TNNI3K protein (p.Ile489Thr).